The following is an entry in ClinVar:

NM_006070.6(TFG):c.765A>C (p.Ala255=)

Gene: TFG (trafficking from ER to golgi regulator; plus strand). Cytogenetic location: 3q12.2.
Variant type: single nucleotide variant.
Coding change: c.765A>C on transcript NM_006070.6 (MANE Select); coding-DNA position 765, A replaced by C.
Protein change: p.Ala255=; no amino-acid change (alanine 255 retained).
Molecular consequence: synonymous variant.
Genome position (GRCh38, 1-based): chr3:100,744,876, A>C. VCF-style: chr3-100744876-A-C. GRCh37 (hg19) VCF-style: chr3-100463720-A-C.
Other names: c.765A>C, p.Ala255= (NM_001007565.2, NM_001195478.2); c.753A>C, p.Ala251= (NM_001195479.2).
Identifiers: ClinVar variation 387101 (VCV000387101.11), dbSNP rs1057522690, ClinGen allele CA2517187.
Genomic context (GRCh38, chr3:100,744,876, plus strand): 5'-TGTGTGTGTGTTTTCAGGTCAGATGTACCAACAGTACCAGCAACAGGCCGGCTATGGTGC[A>C]CAGCAGCCGCAGGCTCCACCTCAGCAGCCTCAACAGTATGGTATTCAGTATTCAGGTGAG-3'
Protein context (NP_006061.2, residues 245-265): QQYQQQAGYG[Ala255=]QQPQAPPQQP

ClinVar aggregate classification (germline): Likely benign. Review status: criteria provided, multiple submitters, no conflicts (2 of 4 stars). 4 submissions from 4 submitters: Likely benign (4). Last evaluated 2026-03-26.

Conditions:
TFG-related disorder. Also called: TFG-related disorders; TFG-related condition.
Hereditary motor and sensory neuropathy, Okinawa type (HMSNO). Also called: HEREDITARY MOTOR AND SENSORY NEUROPATHY, PROXIMAL TYPE. Identifiers: Orphanet 90117, MedGen C1858338, MONDO:0011468, OMIM 604484.
Hereditary spastic paraplegia 57. Also called: Spastic paraplegia 57, autosomal recessive. Identifiers: Orphanet 431329, MedGen C3714897, MONDO:0014295, OMIM 615658.
Inborn genetic diseases. Identifiers: MedGen C0950123, MeSH D030342.

Allele frequency attached by ClinVar (database versions not stated): TOPMed below 0.00001; gnomAD 0.00001; ExAC 0.00002; gnomAD exomes 0.00002.
gnomAD v4.1: 32 of 1,613,614 alleles (0.002%); highest among the groups gnomAD compares: Non-Finnish European, 0.0026%; no homozygotes.

Submissions (4):

PreventionGenetics, part of Exact Sciences
Classification: Likely benign for TFG-related condition. Last evaluated: 2026-03-26. Review status: criteria provided, single submitter. Criteria: ACMG Guidelines, 2015. Collection method: clinical testing. Allele origin: germline.
Comment: This variant is classified as likely benign based on ACMG/AMP sequence variant interpretation guidelines (Richards et al. 2015 PMID: 25741868, with internal and published modifications).

Labcorp Genetics (formerly Invitae), Labcorp
Classification: Likely benign for Hereditary motor and sensory neuropathy, Okinawa type; Hereditary spastic paraplegia 57. Last evaluated: 2025-02-12. Review status: criteria provided, single submitter. Criteria: Invitae Variant Classification Sherloc (09022015). Collection method: clinical testing. Allele origin: germline.

Ambry Genetics
Classification: Likely benign for Inborn genetic diseases. Last evaluated: 2019-07-11. Review status: criteria provided, single submitter. Criteria: Ambry Variant Classification Scheme 2023. Collection method: clinical testing. Allele origin: germline.

GeneDx
Classification: Likely benign. Last evaluated: 2016-06-23. Review status: criteria provided, single submitter. Criteria: GeneDx Variant Classification (06012015). Collection method: clinical testing. Allele origin: germline. Affected: yes.
Comment: This variant is considered likely benign or benign based on one or more of the following criteria: it is a conservative change, it occurs at a poorly conserved position in the protein, it is predicted to be benign by multiple in silico algorithms, and/or has population frequency not consistent with disease.